The following is an entry in ClinVar:

ClinVar aggregate classification (germline): Uncertain significance. Review status: criteria provided, multiple submitters, no conflicts (2 of 4 stars). 2 submissions from 2 submitters: Uncertain significance (2). Last evaluated 2026-04-16.

Allele frequency attached by ClinVar (database versions not stated): TOPMed below 0.00001; gnomAD 0.00001.

Submissions (2):

GeneDx
Classification: Uncertain significance. Last evaluated: 2026-04-16. Review status: criteria provided, single submitter. Criteria: GeneDx Variant Classification Process June 2021. Collection method: clinical testing. Allele origin: germline.
Comment: Has not been previously published as pathogenic or benign to our knowledge; In silico analysis supports that this missense variant has a deleterious effect on protein structure/function

Labcorp Genetics (formerly Invitae), Labcorp
Classification: Uncertain significance. Last evaluated: 2022-05-13. Review status: criteria provided, single submitter. Criteria: Invitae Variant Classification Sherloc (09022015). Collection method: clinical testing. Allele origin: germline.
Comment: This sequence change replaces methionine, which is neutral and non-polar, with threonine, which is neutral and polar, at codon 1591 of the PRPF8 protein (p.Met1591Thr). This variant is present in population databases (no rsID available, gnomAD 0.0009%). This variant has not been reported in the literature in individuals affected with PRPF8-related conditions. Algorithms developed to predict the effect of missense changes on protein structure and function are either unavailable or do not agree on the potential impact of this missense change (SIFT: "Deleterious"; PolyPhen-2: "Possibly Damaging"; Align-GVGD: "Class C0"). In summary, the available evidence is currently insufficient to determine the role of this variant in disease. Therefore, it has been classified as a Variant of Uncertain Significance.

NM_006445.4(PRPF8):c.4772T>C (p.Met1591Thr)

Gene: PRPF8 (pre-mRNA processing factor 8; minus strand). Cytogenetic location: 17p13.3.
Variant type: single nucleotide variant.
Coding change: c.4772T>C on transcript NM_006445.4 (MANE Select); coding-DNA position 4772, T replaced by C.
Protein change: p.Met1591Thr; replaces methionine 1591 with threonine.
Molecular consequence: missense variant.
Genome position (GRCh38, 1-based): chr17:1,660,445, A>G on the plus strand (T>C on the coding strand, the complement: PRPF8 is on the minus strand). VCF-style: chr17-1660445-A-G. GRCh37 (hg19) VCF-style: chr17-1563739-A-G.
Other names: c.4772T>C (NM_006445.3); short protein forms M1591T.
Identifiers: ClinVar variation 1994016 (VCV001994016.5), dbSNP rs1410013286, ClinGen allele CA397575117.